The following is an entry in ClinVar:

NM_000222.3(KIT):c.2755C>G (p.Gln919Glu)

Gene: KIT (KIT proto-oncogene, receptor tyrosine kinase; plus strand). Cytogenetic location: 4q12.
Variant type: single nucleotide variant.
Coding change: c.2755C>G on transcript NM_000222.3 (MANE Select); coding-DNA position 2755, C replaced by G.
Protein change: p.Gln919Glu; replaces glutamine 919 with glutamic acid.
Molecular consequence: missense variant.
Genome position (GRCh38, 1-based): chr4:54,737,233, C>G. VCF-style: chr4-54737233-C-G. GRCh37 (hg19) VCF-style: chr4-55603399-C-G.
Other names: c.2743C>G, p.Gln915Glu (NM_001093772.2, NM_001385292.1); c.2758C>G, p.Gln920Glu (NM_001385284.1); c.2752C>G, p.Gln918Glu (NM_001385285.1); c.2740C>G, p.Gln914Glu (NM_001385286.1); c.2746C>G, p.Gln916Glu (NM_001385288.1); c.2755C>G, p.Gln919Glu (NM_001385290.1); short protein forms Q914E, Q915E, Q916E, Q918E, Q919E, Q920E.
Identifiers: ClinVar variation 1795603 (VCV001795603.5), dbSNP rs2109813983, ClinGen allele CA356914426.

ClinVar aggregate classification (germline): Uncertain significance. Review status: criteria provided, multiple submitters, no conflicts (2 of 4 stars). 2 submissions from 2 submitters: Uncertain significance (2). Last evaluated 2023-06-21.

Conditions:
Hereditary cancer-predisposing syndrome. Also called: Neoplastic Syndromes, Hereditary; Tumor predisposition; Hereditary Cancer Syndrome; Hereditary neoplastic syndrome. Identifiers: Orphanet 140162, MedGen C0027672, MeSH D009386, MONDO:0015356.
Gastrointestinal stromal tumor. Also called: Gastrointestinal stromal tumor, somatic; Gastrointestinal stroma tumor. Identifiers: Orphanet 44890, MedGen C0238198, MeSH D046152, MONDO:0011719, OMIM 606764, HP:0100723.

gnomAD v4.1: 1 of 1,613,894 alleles (0.000062%); no homozygotes.

Submissions (2):

Labcorp Genetics (formerly Invitae), Labcorp
Classification: Uncertain significance for Gastrointestinal stromal tumor. Last evaluated: 2023-06-21. Review status: criteria provided, single submitter. Criteria: Invitae Variant Classification Sherloc (09022015). Collection method: clinical testing. Allele origin: germline.
Comment: In summary, the available evidence is currently insufficient to determine the role of this variant in disease. Therefore, it has been classified as a Variant of Uncertain Significance. An algorithm developed to predict the effect of missense changes on protein structure and function (PolyPhen-2) suggests that this variant is likely to be tolerated. ClinVar contains an entry for this variant (Variation ID: 1795603). This variant has not been reported in the literature in individuals affected with KIT-related conditions. This variant is not present in population databases (gnomAD no frequency). This sequence change replaces glutamine, which is neutral and polar, with glutamic acid, which is acidic and polar, at codon 919 of the KIT protein (p.Gln919Glu).

Ambry Genetics
Classification: Uncertain significance for Hereditary cancer-predisposing syndrome. Last evaluated: 2019-12-09. Review status: criteria provided, single submitter. Criteria: Ambry Variant Classification Scheme 2023. Collection method: clinical testing. Allele origin: germline.
Comment: The p.Q919E variant (also known as c.2755C>G), located in coding exon 20 of the KIT gene, results from a C to G substitution at nucleotide position 2755. The glutamine at codon 919 is replaced by glutamic acid, an amino acid with highly similar properties. This amino acid position is not well conserved in available vertebrate species. In addition, the in silico prediction for this alteration is inconclusive. Since supporting evidence is limited at this time, the clinical significance of this alteration remains unclear.